The following is an entry in ClinVar:

ClinVar aggregate classification (germline): Pathogenic (1 of 4 stars; one submission).

Conditions:
Fetal akinesia deformation sequence 1 (FADS1). Also called: Pena-Shokeir syndrome type I; Fetal akinesia sequence. Identifiers: Orphanet 994, MedGen C1276035, MONDO:0100101, OMIM 208150, HP:0001989.
Congenital myasthenic syndrome 9. Also called: Myasthenic syndrome, congenital, 9, associated with acetylcholine receptor deficiency. Identifiers: Orphanet 590, MedGen C4225368, MONDO:0014587, OMIM 616325.

Submission:

Labcorp Genetics (formerly Invitae), Labcorp
Classification: Pathogenic for Congenital myasthenic syndrome 9; Fetal akinesia deformation sequence 1. Last evaluated: 2023-11-10. Review status: criteria provided, single submitter. Criteria: Invitae Variant Classification Sherloc (09022015). Collection method: clinical testing. Allele origin: germline.
Comment: This sequence change creates a premature translational stop signal (p.Pro28Serfs*12) in the MUSK gene. It is expected to result in an absent or disrupted protein product. Loss-of-function variants in MUSK are known to be pathogenic (PMID: 8653786, 25612909, 25695962, 25900532). This variant is not present in population databases (gnomAD no frequency). This variant has not been reported in the literature in individuals affected with MUSK-related conditions. For these reasons, this variant has been classified as Pathogenic.

Literature cited by the submitters: PubMed 8653786; PubMed 25612909; PubMed 25695962; PubMed 25900532.

NM_005592.4(MUSK):c.81_84del (p.Pro28fs)

Gene: MUSK (muscle associated receptor tyrosine kinase; plus strand). Cytogenetic location: 9q31.3.
Variant type: Deletion.
Coding change: c.81_84del on transcript NM_005592.4 (MANE Select); coding-DNA positions 81 to 84, 4 bases deleted (TCCT; older notation c.81_84delTCCT).
Protein change: p.Pro28fs; shifts the reading frame from proline 28.
Molecular consequence: frameshift variant.
Genome position (GRCh38, 1-based): chr9:110,682,675-110,682,678, TCCT deleted. VCF-style (leftmost placement, unchanged base first): chr9-110682674-CTCCT-C. GRCh37 (hg19) VCF-style: chr9-113444954-CTCCT-C.
Other names: c.81_84del, p.Pro28fs (NM_001166280.2, NM_001166281.2); short protein forms P28fs.
Identifiers: ClinVar variation 2953752 (VCV002953752.3), dbSNP rs2490566466, ClinGen allele CA2740095554.
Genomic context (GRCh38, chr9:110,682,674, plus strand): 5'-AGGAAGGGTTAGTAAACAAAATTCTAGAATGTTCTCTTTTGATTTCTCCTTTCCTTTCAG[CTCCT>C]GTCATCACCACTCCTCTTGAAACAGTGGATGCCTTAGTTGAAGAAGTGGCTACTTTCATG-3'